The following is an entry in ClinVar:

ClinVar aggregate classification (germline): Benign (1 of 4 stars; one submission).

Conditions:
MELAS syndrome (MELAS). Also called: Juvenile myopathy, encephalopathy, lactic acidosis, stroke. Identifiers: Orphanet 550, MedGen C0162671, MONDO:0010789, OMIM 540000.

Submission:

Wong Mito Lab, Molecular and Human Genetics, Baylor College of Medicine
Classification: Benign for MELAS syndrome. Last evaluated: 2019-07-12. Review status: criteria provided, single submitter. Criteria: Modified ACMG Guidelines (Unpublished). Collection method: clinical testing. Allele origin: germline.
Comment: The NC_012920.1:m.15900T>C variant in MT-TT gene is interpreted to be a Benign variant based on the modified ACMG guidelines (unpublished). This variant meets the following evidence codes reported in the guidelines: BS1, BS2, BP4

Literature cited by the submitters: PubMed 31965079.

NC_012920.1(MT-TT):m.15900T>C

Gene: MT-TT (mitochondrially encoded tRNA threonine; plus strand).
Variant type: single nucleotide variant.
Genome position: chrM-15900-T-C.
Identifiers: ClinVar variation 690221 (VCV000690221.1), dbSNP rs878927456, ClinGen allele CA337100561.